The following is an entry in ClinVar:

ClinVar aggregate classification (germline): Conflicting classifications of pathogenicity. Review status: criteria provided, conflicting classifications (1 of 4 stars). 4 submissions from 3 submitters: Uncertain significance (3); Likely benign (1). Last evaluated 2026-08-31.

Conditions:
ROR2-related disorder. Also called: ROR2-related condition; ROR2-related disorders.
Brachydactyly type B1 (BDB1). Identifiers: Orphanet 572385, Orphanet 93383, MedGen C1862112, MONDO:0007220, OMIM 113000.
Autosomal recessive Robinow syndrome (RRS1). Also called: COSTOVERTEBRAL SEGMENTATION DEFECT WITH MESOMELIA; COVESDEM SYNDROME; ROR2-Related Robinow Syndrome; ROBINOW SYNDROME, AUTOSOMAL RECESSIVE 1. Identifiers: Orphanet 1507, Orphanet 97360, MedGen C5399974, MONDO:0009999, OMIM 268310.

Allele frequency attached by ClinVar (database versions not stated): gnomAD 0.00004; TOPMed 0.00005; ESP Exome Variant Server 0.00008.
gnomAD v4.1: 64 of 1,614,034 alleles (0.004%); highest among the groups gnomAD compares: Middle Eastern, 0.017%; no homozygotes.

Submissions (4):

PreventionGenetics, part of Exact Sciences
Classification: Uncertain significance for ROR2-related condition. Last evaluated: 2026-08-31. Review status: criteria provided, single submitter. Criteria: ACMG Guidelines, 2015. Collection method: clinical testing. Allele origin: germline.
Comment: The ROR2 c.2649G>A variant is predicted to result in the amino acid substitution p.Met883Ile. To our knowledge, this variant has not been reported in the literature. This variant is reported in 0.0062% of alleles in individuals of European (Non-Finnish) descent in gnomAD. At this time, the clinical significance of this variant is uncertain due to the absence of conclusive functional and genetic evidence.

Labcorp Genetics (formerly Invitae), Labcorp
Classification: Uncertain significance. Last evaluated: 2025-01-21. Review status: criteria provided, single submitter. Criteria: Invitae Variant Classification Sherloc (09022015). Collection method: clinical testing. Allele origin: germline.
Comment: This sequence change replaces methionine, which is neutral and non-polar, with isoleucine, which is neutral and non-polar, at codon 883 of the ROR2 protein (p.Met883Ile). This variant is present in population databases (rs373037095, gnomAD 0.007%). This variant has not been reported in the literature in individuals affected with ROR2-related conditions. ClinVar contains an entry for this variant (Variation ID: 367495). Invitae Evidence Modeling of protein sequence and biophysical properties (such as structural, functional, and spatial information, amino acid conservation, physicochemical variation, residue mobility, and thermodynamic stability) indicates that this missense variant is not expected to disrupt ROR2 protein function with a negative predictive value of 95%. In summary, the available evidence is currently insufficient to determine the role of this variant in disease. Therefore, it has been classified as a Variant of Uncertain Significance.

Illumina Laboratory Services, Illumina
Classification: Likely benign for Brachydactyly type B1. Last evaluated: 2018-01-13. Review status: criteria provided, single submitter. Criteria: ICSL Variant Classification Criteria 13 December 2019. Collection method: clinical testing. Allele origin: germline.
Comment: This variant was observed in the ICSL laboratory as part of a predisposition screen in an ostensibly healthy population. It had not been previously curated by ICSL or reported in the Human Gene Mutation Database (HGMD: prior to June 1st, 2018), and was therefore a candidate for classification through an automated scoring system. Utilizing variant allele frequency, disease prevalence and penetrance estimates, and inheritance mode, an automated score was calculated to assess if this variant is too frequent to cause the disease. Based on the score and internal cut-off values, a variant classified as likely benign is not then subjected to further curation. The score for this variant resulted in a classification of likely benign for this disease.

Illumina Laboratory Services, Illumina
Classification: Uncertain significance for Autosomal recessive Robinow syndrome. Last evaluated: 2018-01-13. Review status: criteria provided, single submitter. Criteria: ICSL Variant Classification Criteria 13 December 2019. Collection method: clinical testing. Allele origin: germline.

NM_004560.4(ROR2):c.2649G>A (p.Met883Ile)

Gene: ROR2 (ROR family WNT receptor 2; minus strand). Cytogenetic location: 9q22.31.
Variant type: single nucleotide variant.
Coding change: c.2649G>A on transcript NM_004560.4 (MANE Select); coding-DNA position 2649, G replaced by A.
Protein change: p.Met883Ile; replaces methionine 883 with isoleucine.
Molecular consequence: missense variant.
Genome position (GRCh38, 1-based): chr9:91,723,845, C>T on the plus strand (G>A on the coding strand, the complement: ROR2 is on the minus strand). VCF-style: chr9-91723845-C-T. GRCh37 (hg19) VCF-style: chr9-94486127-C-T.
Other names: short protein forms M883I.
Identifiers: ClinVar variation 367495 (VCV000367495.11), dbSNP rs373037095, ClinGen allele CA5120341.